The following is an entry in ClinVar:

ClinVar aggregate classification (germline): Uncertain significance (1 of 4 stars; one submission).

Submission:

Ambry Genetics
Classification: Uncertain significance. Last evaluated: 2024-09-30. Review status: criteria provided, single submitter. Criteria: Ambry Variant Classification Scheme 2023. Collection method: clinical testing. Allele origin: germline.
Comment: The p.Y348C variant (also known as c.1043A>G), located in coding exon 11 of the RASA2 gene, results from an A to G substitution at nucleotide position 1043. The tyrosine at codon 348 is replaced by cysteine, an amino acid with highly dissimilar properties. This amino acid position is conserved. In addition, the in silico prediction for this alteration is inconclusive. Based on the available evidence, the clinical significance of this variant remains unclear.

NM_006506.5(RASA2):c.1043A>G (p.Tyr348Cys)

Gene: RASA2 (RAS p21 protein activator 2; plus strand). Cytogenetic location: 3q23.
Variant type: single nucleotide variant.
Coding change: c.1043A>G on transcript NM_006506.5 (MANE Select); coding-DNA position 1043, A replaced by G.
Protein change: p.Tyr348Cys; replaces tyrosine 348 with cysteine.
Molecular consequence: missense variant.
Genome position (GRCh38, 1-based): chr3:141,571,428, A>G. VCF-style: chr3-141571428-A-G. GRCh37 (hg19) VCF-style: chr3-141290270-A-G.
Other names: c.1043A>G, p.Tyr348Cys (NM_001303245.3, NM_001303246.3); short protein forms Y348C.
Identifiers: ClinVar variation 3430479 (VCV003430479.1).